The following is an entry in ClinVar:

NM_000038.6(APC):c.1583C>T (p.Ala528Val)

Gene: APC (APC regulator of Wnt signaling pathway; plus strand). Cytogenetic location: 5q22.2.
Variant type: single nucleotide variant.
Coding change: c.1583C>T on transcript NM_000038.6 (MANE Select); coding-DNA position 1583, C replaced by T.
Protein change: p.Ala528Val; replaces alanine 528 with valine.
Molecular consequence: missense variant.
Genome position (GRCh38, 1-based): chr5:112,827,963, C>T. VCF-style: chr5-112827963-C-T. GRCh37 (hg19) VCF-style: chr5-112163660-C-T.
Other names: c.1529C>T, p.Ala510Val (NM_001127511.3); c.1583C>T, p.Ala528Val (NM_001127510.3, NM_001354895.2); c.1637C>T, p.Ala546Val (NM_001354896.2); c.1613C>T, p.Ala538Val (NM_001354897.2); c.1508C>T, p.Ala503Val (NM_001354898.2); c.1499C>T, p.Ala500Val (NM_001354899.2); c.1460C>T, p.Ala487Val (NM_001354900.2); c.1406C>T, p.Ala469Val (NM_001354901.2); and 5 more; short protein forms A469V, A500V, A503V, A245V, A427V, A487V, A538V, A368V.
Identifiers: ClinVar variation 918408 (VCV000918408.5), dbSNP rs1763875692, ClinGen allele CA16024768.
Genomic context (GRCh38, chr5:112,827,963, plus strand): 5'-TCCTCTATTCTGTATTTAATTTACAGGCTACGCTATGCTCTATGAAAGGCTGCATGAGAG[C>T]ACTTGTGGCCCAACTAAAATCTGAAAGTGAAGACTTACAGCAGGTACTATTTAGAATTTC-3'
Protein context (NP_000029.2, residues 518-538): TLCSMKGCMR[Ala528Val]LVAQLKSESE

ClinVar aggregate classification (germline): Uncertain significance (1 of 4 stars; one submission).

Conditions:
Hereditary cancer-predisposing syndrome. Also called: Neoplastic Syndromes, Hereditary; Tumor predisposition; Hereditary Cancer Syndrome; Hereditary neoplastic syndrome. Identifiers: Orphanet 140162, MedGen C0027672, MeSH D009386, MONDO:0015356.

Allele frequency attached by ClinVar (database versions not stated): gnomAD exomes below 0.00001.
gnomAD v4.1: 1 of 1,613,294 alleles (0.000062%); highest among the groups gnomAD compares: Non-Finnish European, 0.000085%; no homozygotes.

Submission:

Color Diagnostics, LLC DBA Color Health
Classification: Uncertain significance for Hereditary cancer-predisposing syndrome. Last evaluated: 2023-12-05. Review status: criteria provided, single submitter. Criteria: ACMG Guidelines, 2015. Collection method: clinical testing. Allele origin: germline.
Comment: This missense variant replaces alanine with valine at codon 528 of the APC protein. Computational prediction tools and conservation analyses suggest that this variant may have deleterious impact on the protein function. Splice site prediction tools suggest that this variant may not impact RNA splicing. To our knowledge, functional assays have not been performed for this variant nor has this variant been reported in individuals affected with hereditary cancer in the literature. This variant has not been identified in the general population by the Genome Aggregation Database (gnomAD). Available evidence is insufficient to determine the role of this variant in disease conclusively. Therefore, this variant is classified as a Variant of Uncertain Significance.